The following is an entry in ClinVar:

ClinVar aggregate classification (germline): Pathogenic (3 of 4 stars; one submission).

Conditions:
Breast-ovarian cancer, familial, susceptibility to, 1 (BROVCA1). Also called: BRCA1 Hereditary Breast and Ovarian Cancer; OVARIAN CANCER, SUSCEPTIBILITY TO. Identifiers: Orphanet 145, MedGen C2676676, MONDO:0011450, OMIM 604370. Disease mechanism: loss of function.

Submission:

Evidence-based Network for the Interpretation of Germline Mutant Alleles (ENIGMA)
Classification: Pathogenic for Breast-ovarian cancer, familial, susceptibility to, 1. Last evaluated: 2016-09-08. Review status: reviewed by expert panel. Criteria: ENIGMA BRCA1/2 Classification Criteria (2015). Collection method: curation. Allele origin: germline.
Comment: Variant allele predicted to encode a truncated non-functional protein.

NM_007294.4(BRCA1):c.4193_4194insGG (p.Asp1398fs)

Gene: BRCA1 (BRCA1 DNA repair associated; minus strand). Cytogenetic location: 17q21.31.
Variant type: Insertion.
Coding change: c.4193_4194insGG on transcript NM_007294.4 (MANE Select); coding-DNA positions 4193 to 4194, GG inserted.
Protein change: p.Asp1398fs; shifts the reading frame from aspartic acid 1398.
Molecular consequence: frameshift variant. On other transcripts: non-coding transcript variant (1).
Genome position: GRCh38 VCF-style: chr17-43082567-A-ACC. GRCh37 (hg19) VCF-style: chr17-41234584-A-ACC.
Other names: c.3305_3306insGG, p.Asp1102Glufs (NM_001407966.1, NM_001407967.1); c.1589_1590insGG, p.Asp530Glufs (NM_001407968.1); c.1586_1587insGG, p.Asp529Glufs (NM_001407969.1); c.884_885insGG, p.Asp295Glufs (NM_001407970.1, NM_001407971.1, NM_001407973.1 and 8 more transcripts); c.881_882insGG, p.Asp294Glufs (NM_001407972.1, NM_001407979.1, NM_001407980.1 and 18 more transcripts); c.3980_3981insGG, p.Asp1327Glufs (NM_001407571.1, NM_001407853.1, NM_001407894.1 and 12 more transcripts); c.4193_4194insGG, p.Asp1398Glufs (NM_001407581.1, NM_001407582.1, NM_001407583.1 and 22 more transcripts); c.4190_4191insGG, p.Asp1397Glufs (NM_001407587.1, NM_001407590.1, NM_001407591.1 and 21 more transcripts); and 54 more; short protein forms D1351fs, D1398fs, D295fs.
Identifiers: ClinVar variation 254454 (VCV000254454.3), dbSNP rs886038033, ClinGen allele CA10586610.